The following is an entry in ClinVar:

NM_000548.5(TSC2):c.3095_3102dup (p.Phe1035fs)

Gene: TSC2 (TSC complex subunit 2; plus strand). Cytogenetic location: 16p13.3.
Variant type: Duplication.
Coding change: c.3095_3102dup on transcript NM_000548.5 (MANE Select); coding-DNA positions 3095 to 3102, 8 bases duplicated (GATACGTC; older notation c.3095_3102dupGATACGTC).
Protein change: p.Phe1035fs; shifts the reading frame from phenylalanine 1035.
Molecular consequence: frameshift variant.
Genome position (GRCh38, 1-based): chr16:2,079,160-2,079,167, GATACGTC duplicated; duplicating any 8 consecutive bases within chr16:2,079,158-2,079,167 gives the same sequence; the c. name uses the placement nearest the transcript's 3' end. VCF-style (leftmost placement, unchanged base first): chr16-2079157-C-CTCGATACG. GRCh37 (hg19) VCF-style: chr16-2129158-C-CTCGATACG.
Other names: c.2963_2970dup, p.Phe991fs (NM_001077183.3, NM_001370404.1); c.2363_2370dup, p.Phe791fs (NM_001318831.2); c.2996_3003dup, p.Phe1002fs (NM_001318832.2); c.3095_3102dup, p.Phe1035fs (NM_001114382.3); c.2819_2826dup, p.Phe943fs (NM_001318829.2); c.2855_2862dup, p.Phe955fs (NM_001318827.2); c.2966_2973dup, p.Phe992fs (NM_001363528.2, NM_001370405.1, NM_021055.3); short protein forms F1002fs, F1035fs, F791fs, F943fs, F992fs, F955fs, F991fs.
Identifiers: ClinVar variation 427990 (VCV000427990.5), dbSNP rs1114167461, ClinGen allele CA645369665.
Genomic context (GRCh38, chr16:2,079,157, plus strand): 5'-CTGACGATAGCCTGAAAAACCTCCACCTGGAGCTCACGGAAACCTGTCTGGACATGATGG[C>CTCGATACG]TCGATACGTCTTCTCCAACTTCACGGCTGTCCCGAAGAGGTCCAGGCGGCACTACAGGGC-3'

ClinVar aggregate classification (germline): Pathogenic (1 of 4 stars; one submission).

Conditions:
Hereditary cancer-predisposing syndrome. Also called: Hereditary Cancer Syndrome; Neoplastic Syndromes, Hereditary; Hereditary neoplastic syndrome; Tumor predisposition. Identifiers: Orphanet 140162, MedGen C0027672, MeSH D009386, MONDO:0015356.

Submission:

Ambry Genetics
Classification: Pathogenic for Hereditary cancer-predisposing syndrome. Last evaluated: 2016-05-26. Review status: criteria provided, single submitter. Criteria: Ambry Variant Classification Scheme 2023. Collection method: clinical testing. Allele origin: germline.
Comment: The c.3095_3102dupGATACGTC pathogenic mutation, located in coding exon 26 of the TSC2 gene, results from a duplication of GATACGTC at nucleotide position 3095, causing a translational frameshift with a predicted alternate stop codon. Since frameshifts are typically deleterious in nature, this alteration is interpreted as a disease-causing mutation (ACMG Recommendations for Standards for Interpretation and Reporting of Sequence Variations. Revision 2007. Genet Med. 2008;10:294).